The following is an entry in ClinVar:

ClinVar aggregate classification (germline): Pathogenic/Likely pathogenic. Review status: criteria provided, multiple submitters, no conflicts (2 of 4 stars). 3 submissions from 3 submitters: Pathogenic (2); Likely pathogenic (1). Last evaluated 2023-10-07.

Conditions:
BBS9-related disorder. Also called: BBS9-related condition.
Bardet-Biedl syndrome (BBS). Identifiers: Orphanet 110, MedGen C0752166, MONDO:0015229.

Submissions (3):

Labcorp Genetics (formerly Invitae), Labcorp
Classification: Pathogenic for Bardet-Biedl syndrome. Last evaluated: 2023-10-07. Review status: criteria provided, single submitter. Criteria: Invitae Variant Classification Sherloc (09022015). Collection method: clinical testing. Allele origin: germline.
Comment: This sequence change creates a premature translational stop signal (p.Gln426Argfs*16) in the BBS9 gene. It is expected to result in an absent or disrupted protein product. Loss-of-function variants in BBS9 are known to be pathogenic (PMID: 16380913, 20177705). This variant is not present in population databases (gnomAD no frequency). This premature translational stop signal has been observed in individual(s) with Bardet-Biedl syndrome (PMID: 33964006). This variant is also known as c.1276-2_1277delAGCA. ClinVar contains an entry for this variant (Variation ID: 1696049). Algorithms developed to predict the effect of sequence changes on RNA splicing suggest that this variant may disrupt the consensus splice site. For these reasons, this variant has been classified as Pathogenic.

Blueprint Genetics
Classification: Pathogenic for BBS9-related disorders. Last evaluated: 2023-09-26. Review status: criteria provided, single submitter. Criteria: ACMG Guidelines, 2015. Collection method: clinical testing. Allele origin: germline. Affected: yes. Observed: 4 variant alleles.

Women's Health and Genetics/Laboratory Corporation of America, LabCorp
Classification: Likely pathogenic for Bardet-Biedl syndrome. Last evaluated: 2022-05-31. Review status: criteria provided, single submitter. Criteria: LabCorp Variant Classification Summary - May 2015. Collection method: clinical testing. Allele origin: germline.
Comment: Variant summary: BBS9 c.1277_1280delAAGC (p.Gln426ArgfsX16) results in a premature termination codon, predicted to cause a truncation of the encoded protein or absence of the protein due to nonsense mediated decay, which are commonly known mechanisms for disease. The variant was absent in 251494 control chromosomes. c.1277_1280delAAGC has been reported in the literature as a compound heterozygous genotype in at-least one individual affected with Bardet-Biedl Syndrome (example, Zacchia_2021). To our knowledge, no experimental evidence demonstrating an impact on protein function has been reported. No clinical diagnostic laboratories have submitted clinical-significance assessments for this variant to ClinVar after 2014. Based on the evidence outlined above, the variant was classified as likely pathogenic.

Literature cited by the submitters: PubMed 16380913 (cited by Labcorp Genetics (formerly Invitae), Labcorp); PubMed 20177705 (cited by Labcorp Genetics (formerly Invitae), Labcorp); PubMed 33964006 (cited by Labcorp Genetics (formerly Invitae), Labcorp and Women's Health and Genetics/Laboratory Corporation of America, LabCorp).

NM_198428.2(BBS9):c.1277_1280delAAGC

Gene: BBS9 (Bardet-Biedl syndrome 9; plus strand). Cytogenetic location: 7p14.3.
Variant type: Deletion.
Coding change: c.1277_1280delAAGC on transcript NM_198428.2; coding-DNA positions 1277 to 1280, 4 bases deleted (AAGC).
Genome position (GRCh38, 1-based): chr7:33,344,582-33,344,585, AAGC deleted; deleting any 4 consecutive bases within chr7:33,344,579-33,344,585 gives the same sequence; the c. name uses the placement nearest the transcript's 3' end. VCF-style (leftmost placement, unchanged base first): chr7-33344578-CAGCA-C. GRCh37 (hg19) VCF-style: chr7-33384190-CAGCA-C.
Identifiers: ClinVar variation 1696049 (VCV001696049.7), dbSNP rs2128646927, ClinGen allele CA2578864744.